The following is an entry in ClinVar:

NM_001942.4(DSG1):c.2274G>C (p.Leu758Phe)

Genes: DSG1 (desmoglein 1; plus strand), DSG1-AS1 (DSG1 antisense RNA 1; minus strand), LOC126862720 (MED14-independent group 3 enhancer GRCh37_chr18:28933613-28934812; plus strand). Cytogenetic location: 18q12.1.
Variant type: single nucleotide variant.
Coding change: c.2274G>C on transcript NM_001942.4 (MANE Select); coding-DNA position 2274, G replaced by C.
Protein change: p.Leu758Phe; replaces leucine 758 with phenylalanine.
Molecular consequence: missense variant.
Genome position (GRCh38, 1-based): chr18:31,354,470, G>C. VCF-style: chr18-31354470-G-C. GRCh37 (hg19) VCF-style: chr18-28934433-G-C.
Other names: short protein forms L758F.
Identifiers: ClinVar variation 1355017 (VCV001355017.8), dbSNP rs2144126776, ClinGen allele CA402121857.

ClinVar aggregate classification (germline): Uncertain significance (1 of 4 stars; one submission).

Submission:

Labcorp Genetics (formerly Invitae), Labcorp
Classification: Uncertain significance. Last evaluated: 2025-02-24. Review status: criteria provided, single submitter. Criteria: Invitae Variant Classification Sherloc (09022015). Collection method: clinical testing. Allele origin: germline.
Comment: This sequence change replaces leucine, which is neutral and non-polar, with phenylalanine, which is neutral and non-polar, at codon 758 of the DSG1 protein (p.Leu758Phe). This variant is not present in population databases (gnomAD no frequency). This variant has not been reported in the literature in individuals affected with DSG1-related conditions. ClinVar contains an entry for this variant (Variation ID: 1355017). Invitae Evidence Modeling of protein sequence and biophysical properties (such as structural, functional, and spatial information, amino acid conservation, physicochemical variation, residue mobility, and thermodynamic stability) indicates that this missense variant is not expected to disrupt DSG1 protein function with a negative predictive value of 80%. In summary, the available evidence is currently insufficient to determine the role of this variant in disease. Therefore, it has been classified as a Variant of Uncertain Significance.